The following is an entry in ClinVar:

ClinVar aggregate classification (germline): Pathogenic/Likely pathogenic. Review status: criteria provided, multiple submitters, no conflicts (2 of 4 stars). 6 submissions from 6 submitters: Pathogenic (4); Likely pathogenic (2). Last evaluated 2026-09-08.

Conditions:
Fabry disease. Also called: GLA DEFICIENCY; HEREDITARY DYSTOPIC LIPIDOSIS; Fabry's disease; Angiokeratoma corporis diffusum; Ceramide trihexosidosis; ALPHA-GALACTOSIDASE A DEFICIENCY. Identifiers: Orphanet 324, MedGen C0002986, MONDO:0010526, OMIM 301500, HP:0001071. Disease mechanism: loss of function, Fabry disease is due to inactivating mutations in the X-linked GLA gene resulting in deficiency of the enzyme Alpha Galactosidase-A..
Cardiovascular phenotype. Identifiers: MedGen CN230736.

Submissions (6):

Genomenon, Inc
Classification: Pathogenic for Fabry disease. Last evaluated: 2026-09-08. Review status: criteria provided, single submitter. Criteria: Genomenon Sequence Variant Interpretation Standards - Updated. Collection method: curation. Allele origin: germline. Affected: yes.
Comment: GLA p.Cys223Tyr (c.668G>A) is a missense variant that changes the amino acid at codon 223 from Cysteine to Tyrosine. This variant has been observed in at least one proband with clinical features consistent with Fabry disease (PMID:30371172;30972193;36143092;15713906;23430946;33204599;17452128;12175777;39182239;33838691). At least one functional study has demonstrated a substantial alteration in protein function relative to the wild-type (PMID:27657681). This variant is located in a mutational hotspot and/or important functional domain. It is absent or not present at a significant frequency in gnomAD. In silico models predict that this variant is possibly or probably damaging. In conclusion, we classify GLA p.Cys223Tyr (c.668G>A) as a pathogenic variant.

Fulgent Genetics
Classification: Pathogenic for Fabry disease. Last evaluated: 2022-02-27. Review status: criteria provided, single submitter. Criteria: ACMG Guidelines, 2015. Collection method: clinical testing. Allele origin: unknown.

Labcorp Genetics (formerly Invitae), Labcorp
Classification: Pathogenic for Fabry disease. Last evaluated: 2021-04-16. Review status: criteria provided, single submitter. Criteria: Invitae Variant Classification Sherloc (09022015). Collection method: clinical testing. Allele origin: germline.
Comment: For these reasons, this variant has been classified as Pathogenic. This variant disrupts the p.Cys223 amino acid residue in GLA. Other variant(s) that disrupt this residue have been observed in individuals with GLA-related conditions (PMID: 27560961, 29326878, 30386727, 10208848), which suggests that this may be a clinically significant amino acid residue. Algorithms developed to predict the effect of missense changes on protein structure and function (SIFT, PolyPhen-2, Align-GVGD) all suggest that this variant is likely to be disruptive, but these predictions have not been confirmed by published functional studies and their clinical significance is uncertain. This variant has been observed in individual(s) with Fabry disease (PMID: 12175777, 23430946, 15713906). ClinVar contains an entry for this variant (Variation ID: 222364). This variant is not present in population databases (ExAC no frequency). This sequence change replaces cysteine with tyrosine at codon 223 of the GLA protein (p.Cys223Tyr). The cysteine residue is highly conserved and there is a large physicochemical difference between cysteine and tyrosine.

Women's Health and Genetics/Laboratory Corporation of America, LabCorp
Classification: Pathogenic for Fabry disease. Last evaluated: 2020-11-06. Review status: criteria provided, single submitter. Criteria: LabCorp Variant Classification Summary - May 2015. Collection method: clinical testing. Allele origin: germline.
Comment: Variant summary: GLA c.668G>A (p.Cys223Tyr) results in a non-conservative amino acid change in the encoded protein sequence. Five of five in-silico tools predict a damaging effect of the variant on protein function. Cys223 is a residue known to form disulfide bonds that are essential for maintaining the correct structure of the active site (Schafer_2005).The variant was absent in 183422 control chromosomes (gnomAD). c.668G>A has been reported in the literature in multiple individuals affected with Fabry Disease (Schafer_2005, Boyd_2013, Cheung_2012, Limgala_2019, Sadick_2007, Shabbeer_2002). These data indicate that the variant is very likely to be associated with disease. Other variants at this same codon have been reported in associated with Fabry disease via HGMD. To our knowledge, no experimental evidence demonstrating an impact on protein function has been reported. No clinical diagnostic laboratories have submitted clinical-significance assessments for this variant to ClinVar after 2014. Based on the evidence outlined above, the variant was classified as pathogenic.

Revvity Omics, Revvity
Classification: Likely pathogenic. Last evaluated: 2019-08-30. Review status: criteria provided, single submitter. Criteria: ACMG Guidelines, 2015. Collection method: clinical testing. Allele origin: germline.

Ambry Genetics
Classification: Likely pathogenic for Cardiovascular phenotype. Last evaluated: 2018-01-03. Review status: criteria provided, single submitter. Criteria: Ambry Variant Classification Scheme 2023. Collection method: clinical testing. Allele origin: germline.
Comment: The p.C223Y variant (also known as c.668G>A), located in coding exon 5 of the GLA gene, results from a G to A substitution at nucleotide position 668. The cysteine at codon 223 is replaced by tyrosine, an amino acid with highly dissimilar properties. This variant was detected in a study of families with Fabry disease; however clinical details were limited (Shabbeer J et al. Mol Genet Metab. 2002;76(1):23-30). This alteration has also been reported in a patient with left ventricular hypertrophy (Boyd AC et al. J Am Soc Echocardiogr, 2013 Dec;26:1415-23). In addition, other alterations affecting the same amino acid (p.C223G (c.667T>G) and p.C223R (c.667T>C)) have also been reported in association with Fabry disease (Germain DP et al. Biochem Biophys Res Commun. 1999;257(3):708-13; Shabbeer J et al. Mol Genet Metab. 2002;76(1):23-30). This amino acid position is highly conserved in available vertebrate species. In addition, this alteration is predicted to be deleterious by in silico analysis. Based on the majority of available evidence to date, this variant is likely to be pathogenic.

Literature cited by the submitters: PubMed 30371172 (cited by Genomenon, Inc); PubMed 30972193 (cited by Genomenon, Inc and Women's Health and Genetics/Laboratory Corporation of America, LabCorp); PubMed 36143092 (cited by Genomenon, Inc); PubMed 15713906 (cited by Genomenon, Inc and Labcorp Genetics (formerly Invitae), Labcorp); PubMed 23430946 (cited by 4 submitters); PubMed 33204599 (cited by Genomenon, Inc); PubMed 17452128 (cited by Genomenon, Inc and Women's Health and Genetics/Laboratory Corporation of America, LabCorp); PubMed 12175777 (cited by 4 submitters); PubMed 39182239 (cited by Genomenon, Inc); PubMed 33838691 (cited by Genomenon, Inc); PubMed 27657681 (cited by Genomenon, Inc); PubMed 27560961 (cited by Labcorp Genetics (formerly Invitae), Labcorp); PubMed 29326878 (cited by Labcorp Genetics (formerly Invitae), Labcorp); PubMed 30386727 (cited by Labcorp Genetics (formerly Invitae), Labcorp); PubMed 10208848 (cited by Labcorp Genetics (formerly Invitae), Labcorp); PubMed 15776423 (cited by Women's Health and Genetics/Laboratory Corporation of America, LabCorp and Ambry Genetics); PubMed 24094560 (cited by Women's Health and Genetics/Laboratory Corporation of America, LabCorp and Ambry Genetics); PubMed 24386359 (cited by Ambry Genetics).

NM_000169.3(GLA):c.668G>A (p.Cys223Tyr)

Genes: GLA (galactosidase alpha; minus strand), RPL36A-HNRNPH2 (RPL36A-HNRNPH2 readthrough; plus strand). Cytogenetic location: Xq22.1.
Variant type: single nucleotide variant.
Coding change: c.668G>A on transcript NM_000169.3 (MANE Select); coding-DNA position 668, G replaced by A.
Protein change: p.Cys223Tyr; replaces cysteine 223 with tyrosine.
Molecular consequence: missense variant. On other transcripts: non-coding transcript variant (3), intron variant (2).
Genome position (GRCh38, 1-based): chrX:101,398,918, C>T on the plus strand (G>A on the coding strand, the complement: GLA is on the minus strand). VCF-style: chrX-101398918-C-T. GRCh37 (hg19) VCF-style: chrX-100653906-C-T.
Other names: c.791G>A, p.Cys264Tyr (NM_001406747.1); c.668G>A, p.Cys223Tyr (NM_001406748.1); c.300+3461C>T (NM_001199973.2); c.177+7096C>T (NM_001199974.2); short protein forms C223Y, C264Y.
Identifiers: ClinVar variation 222364 (VCV000222364.19), dbSNP rs869312382, ClinGen allele CA352720.